The following is an entry in ClinVar:

NM_001258392.3(CLPB):c.1799T>C (p.Val600Ala)

Gene: CLPB (ClpB family mitochondrial disaggregase; minus strand). Cytogenetic location: 11q13.4.
Variant type: single nucleotide variant.
Coding change: c.1799T>C on transcript NM_001258392.3 (MANE Select); coding-DNA position 1799, T replaced by C.
Protein change: p.Val600Ala; replaces valine 600 with alanine.
Molecular consequence: missense variant.
Genome position (GRCh38, 1-based): chr11:72,293,602, A>G on the plus strand (T>C on the coding strand, the complement: CLPB is on the minus strand). VCF-style: chr11-72293602-A-G. GRCh37 (hg19) VCF-style: chr11-72004646-A-G.
Other names: c.1712T>C, p.Val571Ala (NM_001258393.3); c.1754T>C, p.Val585Ala (NM_001258394.3); c.1889T>C, p.Val630Ala (NM_030813.6); short protein forms V571A, V630A, V585A, V600A.
Identifiers: ClinVar variation 2889912 (VCV002889912.3), dbSNP rs754351263, ClinGen allele CA6171019.

ClinVar aggregate classification (germline): Uncertain significance (1 of 4 stars; one submission).

Conditions:
3-methylglutaconic aciduria, type VIIB (MGCA7B). Also called: CLPB Deficiency; 3-methylglutaconic aciduria with cataracts, neurologic involvement and neutropenia; 3-methylglutaconic aciduria, type VII, with cataracts, neurologic involvement and neutropenia. Identifiers: Orphanet 445038, MedGen C5676893, MONDO:0014561, OMIM 616271.

Allele frequency attached by ClinVar (database versions not stated): TOPMed below 0.00001; gnomAD exomes 0.00001; ExAC 0.00002.

Submission:

Labcorp Genetics (formerly Invitae), Labcorp
Classification: Uncertain significance for 3-methylglutaconic aciduria, type VIIB. Last evaluated: 2026-01-21. Review status: criteria provided, single submitter. Criteria: Invitae Variant Classification Sherloc (09022015). Collection method: clinical testing. Allele origin: germline.
Comment: This sequence change replaces valine, which is neutral and non-polar, with alanine, which is neutral and non-polar, at codon 630 of the CLPB protein (p.Val630Ala). This variant is present in population databases (rs754351263, gnomAD 0.01%). This variant has not been reported in the literature in individuals affected with CLPB-related conditions. ClinVar contains an entry for this variant (Variation ID: 2889912). An algorithm developed to predict the effect of missense changes on protein structure and function (PolyPhen-2) suggests that this variant is likely to be disruptive. In summary, the available evidence is currently insufficient to determine the role of this variant in disease. Therefore, it has been classified as a Variant of Uncertain Significance.